The following is an entry in ClinVar:

ClinVar aggregate classification (germline): Benign/Likely benign. Review status: criteria provided, multiple submitters, no conflicts (2 of 4 stars). 10 submissions from 10 submitters: Benign (7); Likely benign (3). Last evaluated 2026-02-02.

Conditions:
Primary ciliary dyskinesia 13. Also called: CILIARY DYSKINESIA, PRIMARY, 13, WITH OR WITHOUT SITUS INVERSUS. Identifiers: Orphanet 244, MedGen C2750790, MONDO:0013174, OMIM 613193.
Primary ciliary dyskinesia. Also called: Ciliary dyskinesia. Identifiers: Orphanet 244, MedGen C0008780, MONDO:0016575, HP:0012265.

Allele frequency attached by ClinVar (database versions not stated): 1000 Genomes Project 0.01857; 1000 Genomes Project 30x 0.01858; gnomAD exomes 0.02506; ExAC 0.02525; gnomAD 0.02685 and 0.02715; TOPMed 0.02724; ESP Exome Variant Server 0.03131.
gnomAD v4.1: 45,540 of 1,590,246 alleles (2.9%); highest among the groups gnomAD compares: Middle Eastern, 4.8%; 756 homozygotes.

Submissions (10):

Labcorp Genetics (formerly Invitae), Labcorp
Classification: Benign for Primary ciliary dyskinesia. Last evaluated: 2026-02-02. Review status: criteria provided, single submitter. Criteria: Invitae Variant Classification Sherloc (09022015). Collection method: clinical testing. Allele origin: germline.

ARUP Laboratories, Molecular Genetics and Genomics, ARUP Laboratories
Classification: Benign for Primary ciliary dyskinesia 13. Last evaluated: 2025-06-24. Review status: criteria provided, single submitter. Criteria: ARUP Molecular Germline Variant Investigation Process 2024. Collection method: clinical testing. Allele origin: germline.

Blueprint Genetics
Classification: Likely benign. Last evaluated: 2024-11-27. Review status: criteria provided, single submitter. Criteria: ACMG Guidelines, 2015. Collection method: clinical testing. Allele origin: germline.

Mayo Clinic Laboratories, Mayo Clinic
Classification: Benign. Last evaluated: 2024-02-01. Review status: criteria provided, single submitter. Criteria: ACMG Guidelines, 2015. Collection method: clinical testing. Allele origin: germline. Observed: 9 variant alleles.
Comment: BA1, BS2, BP4

GeneDx
Classification: Benign. Last evaluated: 2020-02-17. Review status: criteria provided, single submitter. Criteria: GeneDx Variant Classification Process June 2021. Collection method: clinical testing. Allele origin: germline. Affected: yes.
Comment: This variant is associated with the following publications: (PMID: 31213628)

Illumina Laboratory Services, Illumina
Classification: Likely benign for Primary ciliary dyskinesia 13. Last evaluated: 2018-01-12. Review status: criteria provided, single submitter. Criteria: ICSL Variant Classification Criteria 13 December 2019. Collection method: clinical testing. Allele origin: germline.
Comment: This variant was observed in the ICSL laboratory as part of a predisposition screen in an ostensibly healthy population. It had not been previously curated by ICSL or reported in the Human Gene Mutation Database (HGMD: prior to June 1st, 2018), and was therefore a candidate for classification through an automated scoring system. Utilizing variant allele frequency, disease prevalence and penetrance estimates, and inheritance mode, an automated score was calculated to assess if this variant is too frequent to cause the disease. Based on the score and internal cut-off values, a variant classified as likely benign is not then subjected to further curation. The score for this variant resulted in a classification of likely benign for this disease.

Laboratory for Molecular Medicine, Mass General Brigham Personalized Medicine
Classification: Benign. Last evaluated: 2016-01-29. Review status: criteria provided, single submitter. Criteria: LMM Criteria. Collection method: clinical testing. Allele origin: germline. Observed: 6 variant alleles.
Comment: p.Asp435Asn in exon 8 of DNAAF1: This variant is not expected to have clinical s ignificance because it has been identified in 3.3% (2200/66558) of European chro mosomes, including 39 homozygotes, by the Exome Aggregation Consortium (ExAC; dbSNP rs149158199).

Ambry Genetics
Classification: Benign for Primary ciliary dyskinesia. Last evaluated: 2014-06-17. Review status: criteria provided, single submitter. Criteria: Ambry Variant Classification Scheme 2023. Collection method: clinical testing. Allele origin: germline.

Breakthrough Genomics
Classification: Likely benign. Review status: criteria provided, single submitter. Criteria: ACMG Guidelines, 2015. Collection method: not provided. Allele origin: germline. Inheritance: Autosomal recessive inheritance. Affected: yes.

PreventionGenetics, part of Exact Sciences
Classification: Benign. Review status: criteria provided, single submitter. Criteria: ACMG Guidelines, 2015. Collection method: clinical testing. Allele origin: germline.

Literature cited by the submitters: PubMed 31213628 (cited by Mayo Clinic Laboratories, Mayo Clinic).

NM_178452.6(DNAAF1):c.1303G>A (p.Asp435Asn)

Gene: DNAAF1 (dynein axonemal assembly factor 1; plus strand). Cytogenetic location: 16q24.1.
Variant type: single nucleotide variant.
Coding change: c.1303G>A on transcript NM_178452.6 (MANE Select); coding-DNA position 1303, G replaced by A.
Protein change: p.Asp435Asn; replaces aspartic acid 435 with asparagine.
Molecular consequence: missense variant.
Genome position (GRCh38, 1-based): chr16:84,170,131, G>A. VCF-style: chr16-84170131-G-A. GRCh37 (hg19) VCF-style: chr16-84203737-G-A.
Other names: c.595G>A, p.Asp199Asn (NM_001318756.1); short protein forms D435N, D199N.
Identifiers: ClinVar variation 226574 (VCV000226574.29), dbSNP rs149158199, ClinGen allele CA8202821.